The following is an entry in ClinVar:

ClinVar aggregate classification (germline): Uncertain significance. Review status: criteria provided, multiple submitters, no conflicts (2 of 4 stars). 3 submissions from 3 submitters: Uncertain significance (3). Last evaluated 2025-10-03.

Conditions:
Inborn genetic diseases. Identifiers: MedGen C0950123, MeSH D030342.

Allele frequency attached by ClinVar (database versions not stated): ExAC 0.00004; gnomAD exomes 0.00008 and 0.00014; gnomAD 0.00011 and 0.00012; TOPMed 0.00011; ESP Exome Variant Server 0.00015.
gnomAD v4.1: 215 of 1,614,022 alleles (0.013%); highest among the groups gnomAD compares: Non-Finnish European, 0.017%; no homozygotes.

Submissions (3):

Labcorp Genetics (formerly Invitae), Labcorp
Classification: Uncertain significance. Last evaluated: 2025-10-03. Review status: criteria provided, single submitter. Criteria: Invitae Variant Classification Sherloc (09022015). Collection method: clinical testing. Allele origin: germline.
Comment: This sequence change replaces glutamic acid, which is acidic and polar, with lysine, which is basic and polar, at codon 473 of the P3H2 protein (p.Glu473Lys). This variant is present in population databases (rs140117066, gnomAD 0.009%). This variant has not been reported in the literature in individuals affected with P3H2-related conditions. ClinVar contains an entry for this variant (Variation ID: 1044636). Invitae Evidence Modeling of protein sequence and biophysical properties (such as structural, functional, and spatial information, amino acid conservation, physicochemical variation, residue mobility, and thermodynamic stability) indicates that this missense variant is not expected to disrupt P3H2 protein function with a negative predictive value of 80%. In summary, the available evidence is currently insufficient to determine the role of this variant in disease. Therefore, it has been classified as a Variant of Uncertain Significance.

Ambry Genetics
Classification: Uncertain significance for Inborn genetic diseases. Last evaluated: 2025-04-08. Review status: criteria provided, single submitter. Criteria: Ambry Variant Classification Scheme 2023. Collection method: clinical testing. Allele origin: germline.

Blueprint Genetics
Classification: Uncertain significance. Last evaluated: 2022-09-02. Review status: criteria provided, single submitter. Criteria: ACMG Guidelines, 2015. Collection method: clinical testing. Allele origin: germline.

NM_018192.4(P3H2):c.1417G>A (p.Glu473Lys)

Gene: P3H2 (prolyl 3-hydroxylase 2; minus strand). Cytogenetic location: 3q28.
Variant type: single nucleotide variant.
Coding change: c.1417G>A on transcript NM_018192.4 (MANE Select); coding-DNA position 1417, G replaced by A.
Protein change: p.Glu473Lys; replaces glutamic acid 473 with lysine.
Molecular consequence: missense variant.
Genome position (GRCh38, 1-based): chr3:189,974,593, C>T on the plus strand (G>A on the coding strand, the complement: P3H2 is on the minus strand). VCF-style: chr3-189974593-C-T. GRCh37 (hg19) VCF-style: chr3-189692382-C-T.
Other names: c.1417G>A (NM_018192.3); c.874G>A, p.Glu292Lys (NM_001134418.2); short protein forms E292K, E473K.
Identifiers: ClinVar variation 1044636 (VCV001044636.8), dbSNP rs140117066, ClinGen allele CA2752936.